The following is an entry in ClinVar:

ClinVar aggregate classification (germline): Uncertain significance (1 of 4 stars; one submission).

Conditions:
Inborn genetic diseases. Identifiers: MedGen C0950123, MeSH D030342.

Submission:

Ambry Genetics
Classification: Uncertain significance for Inborn genetic diseases. Last evaluated: 2025-09-14. Review status: criteria provided, single submitter. Criteria: Ambry Variant Classification Scheme 2023. Collection method: clinical testing. Allele origin: germline.
Comment: The p.M601T variant (also known as c.1802T>C), located in coding exon 17 of the DDX41 gene, results from a T to C substitution at nucleotide position 1802. The methionine at codon 601 is replaced by threonine, an amino acid with similar properties. This amino acid position is conserved. In addition, this alteration is predicted to be deleterious by in silico analysis. Based on the available evidence, the clinical significance of this variant remains unclear.

NM_016222.4(DDX41):c.1802T>C (p.Met601Thr)

Gene: DDX41 (DEAD-box helicase 41; minus strand). Cytogenetic location: 5q35.3.
Variant type: single nucleotide variant.
Coding change: c.1802T>C on transcript NM_016222.4 (MANE Select); coding-DNA position 1802, T replaced by C.
Protein change: p.Met601Thr; replaces methionine 601 with threonine.
Molecular consequence: missense variant.
Genome position (GRCh38, 1-based): chr5:177,511,858, A>G on the plus strand (T>C on the coding strand, the complement: DDX41 is on the minus strand). VCF-style: chr5-177511858-A-G. GRCh37 (hg19) VCF-style: chr5-176938859-A-G.
Other names: c.1424T>C, p.Met475Thr (NM_001321732.2, NM_001321830.2); short protein forms M475T, M601T.
Identifiers: ClinVar variation 4238833 (VCV004238833.1).